The following is an entry in ClinVar:

NM_000434.4(NEU1):c.679G>A (p.Gly227Arg)

Gene: NEU1 (neuraminidase 1; minus strand). Cytogenetic location: 6p21.33.
Variant type: single nucleotide variant.
Coding change: c.679G>A on transcript NM_000434.4 (MANE Select); coding-DNA position 679, G replaced by A.
Protein change: p.Gly227Arg; replaces glycine 227 with arginine.
Molecular consequence: missense variant.
Genome position (GRCh38, 1-based): chr6:31,860,558, C>T on the plus strand (G>A on the coding strand, the complement: NEU1 is on the minus strand). VCF-style: chr6-31860558-C-T. GRCh37 (hg19) VCF-style: chr6-31828335-C-T.
Other names: p.Gly227Arg; short protein forms G227R.
Identifiers: ClinVar variation 430342 (VCV000430342.56), dbSNP rs769765227, ClinGen allele CA3724984.

ClinVar aggregate classification (germline): Pathogenic. Review status: criteria provided, multiple submitters, no conflicts (2 of 4 stars). 9 submissions from 9 submitters: Pathogenic (7). 2 of the submissions do not count toward it. Last evaluated 2026-01-27.

Conditions:
Lysosomal storage disease. Also called: Lysosomal storage disorder. Identifiers: Orphanet 68366, MedGen C0085078, MONDO:0002561.
Sialidosis. Identifiers: Orphanet 309294, MedGen C0268226, MONDO:0017734.
Sialidosis type 2. Also called: NEURAMINIDASE DEFICIENCY; NEUG DEFICIENCY; NEURAMINIDASE 1 DEFICIENCY; CHERRY RED SPOT--MYOCLONUS SYNDROME; Mucolipidosis type 1; NEU 1 deficiency. Identifiers: Orphanet 812, Orphanet 87876, MedGen C4282398, MONDO:0009738, OMIM 256550.

Allele frequency attached by ClinVar (database versions not stated): gnomAD 0.00001; TOPMed 0.00001; gnomAD exomes 0.00002; ExAC 0.00004.
gnomAD v4.1: 24 of 1,614,046 alleles (0.0015%); highest among the groups gnomAD compares: South Asian, 0.0044%; no homozygotes.

Submissions (9):

Genetics Laboratory, Great Ormond Street Hospital NHS Foundation Trust, North Thames Genomic Laboratory Hub
Classification: Pathogenic for Lysosomal storage disorder. Last evaluated: 2026-01-27. Review status: criteria provided, single submitter. Criteria: ACGS Best Practice Guidelines for Variant Classification in Rare Disease 2024 v1.2. Collection method: clinical testing. Allele origin: germline. Affected: yes.
Comment: PM2_moderate, PP3_supporting, PM3_strong, PP4_strong

Labcorp Genetics (formerly Invitae), Labcorp
Classification: Pathogenic. Last evaluated: 2025-12-22. Review status: criteria provided, single submitter. Criteria: Invitae Variant Classification Sherloc (09022015). Collection method: clinical testing. Allele origin: germline.
Comment: This sequence change replaces glycine, which is neutral and non-polar, with arginine, which is basic and polar, at codon 227 of the NEU1 protein (p.Gly227Arg). This variant is present in population databases (rs769765227, gnomAD 0.004%). This missense change has been observed in individual(s) with sialidosis (PMID: 19568825, 24808020, 26141460). It has also been observed to segregate with disease in related individuals. ClinVar contains an entry for this variant (Variation ID: 430342). Invitae Evidence Modeling of protein sequence and biophysical properties (such as structural, functional, and spatial information, amino acid conservation, physicochemical variation, residue mobility, and thermodynamic stability) indicates that this missense variant is not expected to disrupt NEU1 protein function with a negative predictive value of 80%. Experimental studies have shown that this missense change affects NEU1 function (PMID: 10767332). For these reasons, this variant has been classified as Pathogenic.

GeneDx
Classification: Pathogenic. Last evaluated: 2024-05-17. Review status: criteria provided, single submitter. Criteria: GeneDx Variant Classification Process June 2021. Collection method: clinical testing. Allele origin: germline. Affected: yes.
Comment: Published functional studies found this variant is associated with significantly reduced enzyme activity (PMID: 11063730, 10767332); Not observed at significant frequency in large population cohorts (gnomAD); In silico analysis supports that this missense variant has a deleterious effect on protein structure/function; This variant is associated with the following publications: (PMID: 31956508, 10767332, 24808020, 26141460, 25401298, 19568825, 30023283, 11063730, 33144682, 31711734, 33121223, 32472645, 37530313, 36009508, SeolB2021[Article])

Foundation for Research in Genetics and Endocrinology, FRIGE's Institute of Human Genetics
Classification: Pathogenic for Sialidosis type 2. Last evaluated: 2023-09-16. Review status: criteria provided, single submitter. Criteria: ACMG Guidelines, 2015. Collection method: clinical testing. Allele origin: germline. Inheritance: Autosomal recessive inheritance. Affected: yes. Observed: 1 homozygote.
Comment: A homozygous missense variant in exon 4 of the NEU1 gene that results in the amino acid substitution of Arginine for Glycine at codon 227 was detected. This variant has not been reported in 1000 genomes and has a MAF of 0.00132%, 0.00199% and 0.00113% in the gnomAD v3.1, gnomAD v2, and topmed databases respectively. This variant has previously been reported in patients affected with sialidosis and associated with significantly reduced enzymatic activity (PMID-10767332). The in-silico prediction is damaging by SIFT, LRT, MutationTaster2. In summary, the variant meets our criteria to be classified as pathogenic.

CeGaT Center for Human Genetics Tuebingen
Classification: Pathogenic. Last evaluated: 2021-02-01. Review status: criteria provided, single submitter. Criteria: CeGaT Center For Human Genetics Tuebingen Variant Classification Criteria Version 2. Collection method: clinical testing. Allele origin: germline. Affected: yes. Observed: 2 variant alleles.

Women's Health and Genetics/Laboratory Corporation of America, LabCorp
Classification: Pathogenic for Sialidosis. Last evaluated: 2016-03-21. Review status: criteria provided, single submitter. Criteria: LabCorp Variant Classification Summary - May 2015. Collection method: clinical testing. Allele origin: germline.
Comment: Variant summary: The NEU1 c.679G>A variant affects a conserved nucleotide, resulting in amino acid change from Gly to Arg. 4/4 in-silico tools predict damaging outcome for this variant (SNPs&GO not captured due to low reliability index). Functional studies show that G227R has a sialidase activity of <10% of normal, and lacks normal processing and lysosomal targeting (Lukong_Hum. Mol. Genet._2000). This variant was found in 5/120902 control chromosomes at a frequency of 0.0000414, which does not significantly exceed maximal expected frequency of a pathogenic NEU1 allele (0.001118). The variant has been identified in homozygous state in patients with Sialidosis type II and in compound heterozygous state in patients with progressive myoclonus epilepsies or late-onset action myoclonus. Taken together, this variant was classified as pathogenic.

Kasturba Medical College, Manipal, Kasturba Medical College, Manipal, Manipal Academy of Higher Education, Manipal, India
Classification: Pathogenic for Sialidosis type 2. Review status: criteria provided, single submitter. Criteria: ACMG Guidelines, 2015. Collection method: clinical testing. Allele origin: inherited. Inheritance: Autosomal recessive inheritance. Affected: yes.

Genome Diagnostics Laboratory, University Medical Center Utrecht
Classification: Likely pathogenic. Review status: no assertion criteria provided. Collection method: clinical testing. Allele origin: germline. Affected: yes. Study: VKGL Data-share Consensus. Not counted in ClinVar's aggregate classification.

Laboratory of Diagnostic Genome Analysis, Leiden University Medical Center (LUMC)
Classification: Pathogenic. Review status: no assertion criteria provided. Collection method: clinical testing. Allele origin: germline. Affected: yes. Study: VKGL Data-share Consensus. Not counted in ClinVar's aggregate classification.

Literature cited by the submitters: PubMed 19568825 (cited by Labcorp Genetics (formerly Invitae), Labcorp); PubMed 24808020 (cited by Labcorp Genetics (formerly Invitae), Labcorp and Women's Health and Genetics/Laboratory Corporation of America, LabCorp); PubMed 26141460 (cited by Labcorp Genetics (formerly Invitae), Labcorp); PubMed 10767332 (cited by 3 submitters).